The following is an entry in ClinVar:

ClinVar aggregate classification (germline): Uncertain significance. Review status: criteria provided, multiple submitters, no conflicts (2 of 4 stars). 4 submissions from 4 submitters: Uncertain significance (4). Last evaluated 2025-09-07.

Conditions:
Arrhythmogenic cardiomyopathy with wooly hair and keratoderma. Also called: Carvajal syndrome; Dilated cardiomyopathy with woolly hair and keratoderma; Arrhythmogenic cardiomyopathy with woolly hair and keratoderma; PALMOPLANTAR KERATODERMA WITH LEFT VENTRICULAR CARDIOMYOPATHY AND WOOLLY HAIR. Identifiers: Orphanet 65282, MedGen C1854063, MONDO:0011581, OMIM 605676.
Arrhythmogenic right ventricular dysplasia 8 (ARVD8). Also called: Arrhythmogenic Right Ventricular Dysplasia/Cardiomyopathy 8; ARRHYTHMOGENIC RIGHT VENTRICULAR DYSPLASIA, FAMILIAL, 8; ARRHYTHMOGENIC RIGHT VENTRICULAR CARDIOMYOPATHY 8. Identifiers: MedGen C1843896, MONDO:0011831, OMIM 607450.
Cardiovascular phenotype. Identifiers: MedGen CN230736.
Cardiomyopathy (CMYO). Also called: Cardiomyopathies. Identifiers: Orphanet 167848, MedGen C0878544, MONDO:0004994, HP:0001638. Inheritance: Various modes of inheritance.

Allele frequency attached by ClinVar (database versions not stated): ESP Exome Variant Server 0.00008.
gnomAD v4.1: 5 of 1,614,144 alleles (0.00031%); highest among the groups gnomAD compares: Non-Finnish European, 0.00042%; no homozygotes.

Submissions (4):

Ambry Genetics
Classification: Uncertain significance for Cardiovascular phenotype. Last evaluated: 2025-09-07. Review status: criteria provided, single submitter. Criteria: Ambry Variant Classification Scheme 2023. Collection method: clinical testing. Allele origin: germline.
Comment: The p.K1973R variant (also known as c.5918A>G), located in coding exon 24 of the DSP gene, results from an A to G substitution at nucleotide position 5918. The lysine at codon 1973 is replaced by arginine, an amino acid with highly similar properties. This amino acid position is conserved. In addition, this alteration is predicted to be tolerated by in silico analysis. Based on the available evidence, the clinical significance of this variant remains unclear.

Labcorp Genetics (formerly Invitae), Labcorp
Classification: Uncertain significance for Arrhythmogenic cardiomyopathy with wooly hair and keratoderma; Arrhythmogenic right ventricular dysplasia 8. Last evaluated: 2024-05-15. Review status: criteria provided, single submitter. Criteria: Invitae Variant Classification Sherloc (09022015). Collection method: clinical testing. Allele origin: germline.
Comment: This sequence change replaces lysine, which is basic and polar, with arginine, which is basic and polar, at codon 1973 of the DSP protein (p.Lys1973Arg). This variant is not present in population databases (gnomAD no frequency). This variant has not been reported in the literature in individuals affected with DSP-related conditions. ClinVar contains an entry for this variant (Variation ID: 1332270). An algorithm developed to predict the effect of missense changes on protein structure and function (PolyPhen-2) suggests that this variant is likely to be tolerated. In summary, the available evidence is currently insufficient to determine the role of this variant in disease. Therefore, it has been classified as a Variant of Uncertain Significance.

Color Diagnostics, LLC DBA Color Health
Classification: Uncertain significance for Cardiomyopathy. Last evaluated: 2024-03-07. Review status: criteria provided, single submitter. Criteria: ACMG Guidelines, 2015. Collection method: clinical testing. Allele origin: germline.
Comment: This missense variant replaces lysine with arginine at codon 1973 of the DSP protein. Computational prediction suggests that this variant may not impact protein structure and function (internally defined REVEL score threshold <= 0.5, PMID: 27666373). To our knowledge, functional studies have not been reported for this variant. This variant has not been reported in individuals affected with cardiovascular disorders in the literature. This variant has not been identified in the general population by the Genome Aggregation Database (gnomAD). The available evidence is insufficient to determine the role of this variant in disease conclusively. Therefore, this variant is classified as a Variant of Uncertain Significance.

All of Us Research Program, National Institutes of Health
Classification: Uncertain significance for Arrhythmogenic cardiomyopathy with wooly hair and keratoderma. Last evaluated: 2023-06-08. Review status: criteria provided, single submitter. Criteria: ACMG Guidelines, 2015. Collection method: clinical testing. Allele origin: germline. Inheritance: Autosomal dominant inheritance. Observed: 1 variant allele, 1 heterozygote.
Comment: This missense variant replaces lysine with arginine at codon 1973 of the DSP protein. Computational prediction suggests that this variant may not impact protein structure and function (internally defined REVEL score threshold <= 0.5, PMID: 27666373). To our knowledge, functional studies have not been reported for this variant. This variant has not been reported in individuals affected with cardiovascular disorders in the literature. This variant has not been identified in the general population by the Genome Aggregation Database (gnomAD). The available evidence is insufficient to determine the role of this variant in disease conclusively. Therefore, this variant is classified as a Variant of Uncertain Significance.

This study involves interpretation of variants in research participants for the purpose of population health screening. Participant phenotype was not available at the time of variant classification. Additional details can be found in publication PMID: 35346344, PMCID: PMC8962531

NM_004415.4(DSP):c.5918A>G (p.Lys1973Arg)

Gene: DSP (desmoplakin; plus strand). Cytogenetic location: 6p24.3.
Variant type: single nucleotide variant.
Coding change: c.5918A>G on transcript NM_004415.4 (MANE Select); coding-DNA position 5918, A replaced by G.
Protein change: p.Lys1973Arg; replaces lysine 1973 with arginine.
Molecular consequence: missense variant.
Genome position (GRCh38, 1-based): chr6:7,583,180, A>G. VCF-style: chr6-7583180-A-G. GRCh37 (hg19) VCF-style: chr6-7583413-A-G.
Other names: c.4121A>G, p.Lys1374Arg (NM_001008844.3); c.4589A>G, p.Lys1530Arg (NM_001319034.2); short protein forms K1374R, K1530R, K1973R.
Identifiers: ClinVar variation 1332270 (VCV001332270.11), dbSNP rs376397314, ClinGen allele CA133973976.